The following is an entry in ClinVar:

ClinVar aggregate classification (germline): Uncertain significance. Review status: criteria provided, multiple submitters, no conflicts (2 of 4 stars). 4 submissions from 4 submitters: Uncertain significance (4). Last evaluated 2026-06-16.

Conditions:
GBA1-related disorder. Also called: GBA1-related condition.

Allele frequency attached by ClinVar (database versions not stated): ExAC 0.00005; ESP Exome Variant Server 0.00008; TOPMed 0.00008; gnomAD exomes 0.00009 and 0.00019; gnomAD 0.00011; 1000 Genomes Project 0.00020; 1000 Genomes Project 30x 0.00031.
gnomAD v4.1: 292 of 1,613,900 alleles (0.018%); highest among the groups gnomAD compares: Non-Finnish European, 0.023%; no homozygotes.

Submissions (4):

PreventionGenetics, part of Exact Sciences
Classification: Uncertain significance for GBA1-related condition. Last evaluated: 2026-06-16. Review status: criteria provided, single submitter. Criteria: ACMG Guidelines, 2015. Collection method: clinical testing. Allele origin: germline.
Comment: The GBA1 c.902G>A variant is predicted to result in the amino acid substitution p.Arg301His. This variant, alternatively referred to as p.Arg262His using legacy nomenclature, has been reported in individuals with Parkinson disease or dementia with Lewy bodies (Nichols et al. 2009. PubMed ID: 18987351; Nalls et al. 2013. PubMed ID: 23588557; Jesús et al. 2016. PubMed ID: 28030538). This variant is reported in 0.019% of alleles in individuals of European (Non-Finnish) descent in gnomAD. Of note, certain pathogenic variants in GBA are considered as a risk factor for Parkinson disease (Chahine et al. 2013. PubMed ID: 23699752; Gan-Or et al. 2015. PubMed ID: 25653295). At this time, the clinical significance of this variant is uncertain due to the absence of conclusive functional and genetic evidence.

Women's Health and Genetics/Laboratory Corporation of America, LabCorp
Classification: Uncertain significance. Last evaluated: 2026-03-06. Review status: criteria provided, single submitter. Criteria: LabCorp Variant Classification Summary - May 2015. Collection method: clinical testing. Allele origin: germline.
Comment: Variant summary: GBA1 c.902G>A (p.Arg301His) results in a non-conservative amino acid change in the encoded protein sequence. Algorithms developed to predict the effect of missense changes on protein structure and function are either unavailable or do not agree on the potential impact of this missense change. The variant allele was found at a frequency of 0.00018 in 1613900 control chromosomes. This frequency is not significantly higher than estimated for disease-causing variants in GBA1, allowing no conclusion about variant significance. c.902G>A has been reported in the literature in individuals affected with Parkinson disease and lewy body dementia (e.g. Nichols_2009, Nalls_2013, Jesus_2016, Malek_2018, Olszewska_2020, Toffoli_2023, Robak_2017, Mata_2016) without strong evidence for causality. These report(s) do not provide unequivocal conclusions about association of the variant with Gaucher Disease. To our knowledge, no experimental evidence demonstrating an impact on protein function has been reported. The following publications have been ascertained in the context of this evaluation (PMID: 28030538, 29378790, 23588557, 18987351, 32714263, 34514546, 19332698, 37926171, 29140481, 34017912, 26296077). ClinVar contains an entry for this variant (Variation ID: 592663). Based on the evidence outlined above, the variant was classified as uncertain significance.

GeneDx
Classification: Uncertain significance. Last evaluated: 2021-03-31. Review status: criteria provided, single submitter. Criteria: GeneDx Variant Classification Process June 2021. Collection method: clinical testing. Allele origin: germline. Affected: yes.
Comment: Previously reported as R262H using alternative nomenclature; Identified as apparently homozygous in an individual with Parkinson disease without clinical symptoms of Gaucher disease (Olszewska et al., 2020); This variant is associated with the following publications: (PMID: 23588557, 18987351, 32714263, 28030538, 29378790)

Eurofins Ntd Llc (ga)
Classification: Uncertain significance. Last evaluated: 2018-03-15. Review status: criteria provided, single submitter. Criteria: EGL ClinVar v180209 classification definitions. Collection method: clinical testing. Allele origin: germline. Observed: 1 variant allele, 1 heterozygote.

Literature cited by the submitters: PubMed 18987351 (cited by Women's Health and Genetics/Laboratory Corporation of America, LabCorp); PubMed 23588557 (cited by Women's Health and Genetics/Laboratory Corporation of America, LabCorp); PubMed 26296077 (cited by Women's Health and Genetics/Laboratory Corporation of America, LabCorp); PubMed 29140481 (cited by Women's Health and Genetics/Laboratory Corporation of America, LabCorp); PubMed 34017912 (cited by Women's Health and Genetics/Laboratory Corporation of America, LabCorp); PubMed 28030538 (cited by Women's Health and Genetics/Laboratory Corporation of America, LabCorp); PubMed 29378790 (cited by Women's Health and Genetics/Laboratory Corporation of America, LabCorp); PubMed 34514546 (cited by Women's Health and Genetics/Laboratory Corporation of America, LabCorp); PubMed 19332698 (cited by Women's Health and Genetics/Laboratory Corporation of America, LabCorp); PubMed 32714263 (cited by Women's Health and Genetics/Laboratory Corporation of America, LabCorp); PubMed 37926171 (cited by Women's Health and Genetics/Laboratory Corporation of America, LabCorp).

NM_000157.4(GBA1):c.902G>A (p.Arg301His)

Genes: GBA1 (glucosylceramidase beta 1; minus strand), LOC106627981 (GBA recombination region; plus strand). Cytogenetic location: 1q22.
Variant type: single nucleotide variant.
Coding change: c.902G>A on transcript NM_000157.4 (MANE Select); coding-DNA position 902, G replaced by A.
Protein change: p.Arg301His; replaces arginine 301 with histidine.
Molecular consequence: missense variant.
Genome position (GRCh38, 1-based): chr1:155,237,438, C>T on the plus strand (G>A on the coding strand, the complement: GBA1 is on the minus strand). VCF-style: chr1-155237438-C-T. GRCh37 (hg19) VCF-style: chr1-155207229-C-T.
Other names: c.902G>A, p.Arg301His (NM_001005741.3, NM_001005742.3); c.641G>A, p.Arg214His (NM_001171811.2); c.755G>A, p.Arg252His (NM_001171812.2); short protein forms R301H, R252H, R214H.
Identifiers: ClinVar variation 592663 (VCV000592663.12), dbSNP rs140955685, ClinGen allele CA1141664.